The following is an entry in ClinVar:

ClinVar aggregate classification (germline): Uncertain significance (1 of 4 stars; one submission).

Allele frequency attached by ClinVar (database versions not stated): gnomAD 0.00001.

Submission:

Labcorp Genetics (formerly Invitae), Labcorp
Classification: Uncertain significance. Last evaluated: 2023-07-14. Review status: criteria provided, single submitter. Criteria: Invitae Variant Classification Sherloc (09022015). Collection method: clinical testing. Allele origin: germline.
Comment: This variant has not been reported in the literature in individuals affected with FAT4-related conditions. This variant is not present in population databases (gnomAD no frequency). This sequence change replaces proline, which is neutral and non-polar, with serine, which is neutral and polar, at codon 4938 of the FAT4 protein (p.Pro4938Ser). ClinVar contains an entry for this variant (Variation ID: 1494310). In summary, the available evidence is currently insufficient to determine the role of this variant in disease. Therefore, it has been classified as a Variant of Uncertain Significance. Advanced modeling of protein sequence and biophysical properties (such as structural, functional, and spatial information, amino acid conservation, physicochemical variation, residue mobility, and thermodynamic stability) performed at Invitae indicates that this missense variant is not expected to disrupt FAT4 protein function.

NM_001291303.3(FAT4):c.14818C>T (p.Pro4940Ser)

Gene: FAT4 (FAT atypical cadherin 4; plus strand). Cytogenetic location: 4q28.1.
Variant type: single nucleotide variant.
Coding change: c.14818C>T on transcript NM_001291303.3 (MANE Select); coding-DNA position 14818, C replaced by T.
Protein change: p.Pro4940Ser; replaces proline 4940 with serine.
Molecular consequence: missense variant.
Genome position (GRCh38, 1-based): chr4:125,491,634, C>T. VCF-style: chr4-125491634-C-T. GRCh37 (hg19) VCF-style: chr4-126412789-C-T.
Other names: c.14815C>T, p.Pro4939Ser (NM_001291285.3); c.14812C>T, p.Pro4938Ser (NM_024582.6); short protein forms P4939S, P4938S, P4940S.
Identifiers: ClinVar variation 1494310 (VCV001494310.8), dbSNP rs1727651107, ClinGen allele CA358143744.